The following is an entry in ClinVar:

NM_000368.5(TSC1):c.2022C>T (p.Val674=)

Gene: TSC1 (TSC complex subunit 1; minus strand). Cytogenetic location: 9q34.13.
Variant type: single nucleotide variant.
Coding change: c.2022C>T on transcript NM_000368.5 (MANE Select); coding-DNA position 2022, C replaced by T.
Protein change: p.Val674=; no amino-acid change (valine 674 retained).
Molecular consequence: synonymous variant.
Genome position (GRCh38, 1-based): chr9:132,904,430, G>A on the plus strand (C>T on the coding strand, the complement: TSC1 is on the minus strand). VCF-style: chr9-132904430-G-A. GRCh37 (hg19) VCF-style: chr9-135779817-G-A.
Other names: c.2019C>T, p.Val673= (NM_001162426.2); c.1869C>T, p.Val623= (NM_001162427.2); c.1659C>T, p.Val553= (NM_001362177.2).
Identifiers: ClinVar variation 48871 (VCV000048871.15), dbSNP rs118203618, ClinGen allele CA005777.

ClinVar aggregate classification (germline): Benign/Likely benign. Review status: criteria provided, multiple submitters, no conflicts (2 of 4 stars). 7 submissions from 7 submitters: Benign (2); Likely benign (4). 1 of the submissions does not count toward it. Last evaluated 2025-08-07.

Conditions:
Hereditary cancer-predisposing syndrome. Also called: Neoplastic Syndromes, Hereditary; Tumor predisposition; Hereditary Cancer Syndrome; Hereditary neoplastic syndrome. Identifiers: Orphanet 140162, MedGen C0027672, MeSH D009386, MONDO:0015356.
Tuberous sclerosis syndrome (TSC). Also called: Tuberous Sclerosis Complex; Tuberous sclerosis. Identifiers: Orphanet 805, MedGen C0041341, MONDO:0001734.
Tuberous sclerosis 1 (TSC1). Identifiers: Orphanet 805, MedGen C1854465, MONDO:0008612, OMIM 191100.

gnomAD v4.1: 1 of 1,613,990 alleles (0.000062%); highest among the groups gnomAD compares: Non-Finnish European, 0.000085%; no homozygotes.

Submissions (7):

Labcorp Genetics (formerly Invitae), Labcorp
Classification: Likely benign for Tuberous sclerosis 1. Last evaluated: 2025-08-07. Review status: criteria provided, single submitter. Criteria: Invitae Variant Classification Sherloc (09022015). Collection method: clinical testing. Allele origin: germline.

Color Diagnostics, LLC DBA Color Health
Classification: Likely benign for Tuberous sclerosis syndrome. Last evaluated: 2025-06-20. Review status: criteria provided, single submitter. Criteria: ACMG Guidelines, 2015. Collection method: clinical testing. Allele origin: germline.

Myriad Genetics, Inc.
Classification: Benign for Tuberous sclerosis 1. Last evaluated: 2025-04-24. Review status: criteria provided, single submitter. Criteria: Myriad Autosomal Dominant, Autosomal Recessive and X-Linked Classification Criteria (2023). Collection method: clinical testing. Allele origin: unknown.
Comment: This variant is considered benign. This variant is a silent/synonymous amino acid change and it is not expected to impact splicing.

Genome-Nilou Lab
Classification: Benign for Tuberous sclerosis 1. Last evaluated: 2021-11-07. Review status: criteria provided, single submitter. Criteria: ACMG Guidelines, 2015. Collection method: clinical testing. Allele origin: germline. Affected: no.

Ambry Genetics
Classification: Likely benign for Hereditary cancer-predisposing syndrome. Last evaluated: 2019-04-26. Review status: criteria provided, single submitter. Criteria: Ambry Variant Classification Scheme 2023. Collection method: clinical testing. Allele origin: germline.

GeneDx
Classification: Likely benign. Last evaluated: 2018-03-07. Review status: criteria provided, single submitter. Criteria: GeneDx Variant Classification (06012015). Collection method: clinical testing. Allele origin: germline. Affected: yes.
Comment: This variant is considered likely benign or benign based on one or more of the following criteria: it is a conservative change, it occurs at a poorly conserved position in the protein, it is predicted to be benign by multiple in silico algorithms, and/or has population frequency not consistent with disease.

Tuberous sclerosis database (TSC1)
No classification provided. Condition: TSC. Review status: no classification provided. Criteria: Tuberous Sclerosis Database Assertion Criteria 2015. Collection method: curation. Allele origin: germline. Affected: yes. Not counted in ClinVar's aggregate classification.